The following is an entry in ClinVar:

ClinVar aggregate classification (germline): Uncertain significance (1 of 4 stars; one submission).

Conditions:
Fanconi anemia (FA). Also called: Fanconi's anemia. Identifiers: Orphanet 84, MedGen C0015625, MeSH D005199, MONDO:0019391.

Submission:

Labcorp Genetics (formerly Invitae), Labcorp
Classification: Uncertain significance for Fanconi anemia. Last evaluated: 2021-08-31. Review status: criteria provided, single submitter. Criteria: Invitae Variant Classification Sherloc (09022015). Collection method: clinical testing. Allele origin: germline.
Comment: This sequence change replaces alanine with valine at codon 468 of the FANCG protein (p.Ala468Val). The alanine residue is moderately conserved and there is a small physicochemical difference between alanine and valine. This variant is not present in population databases (ExAC no frequency). This variant has not been reported in the literature in individuals affected with FANCG-related conditions. Algorithms developed to predict the effect of missense changes on protein structure and function output the following: SIFT: "Tolerated"; PolyPhen-2: "Benign"; Align-GVGD: "Class C0". The valine amino acid residue is found in multiple mammalian species, which suggests that this missense change does not adversely affect protein function. In summary, the available evidence is currently insufficient to determine the role of this variant in disease. Therefore, it has been classified as a Variant of Uncertain Significance.

NM_004629.2(FANCG):c.1403C>T (p.Ala468Val)

Gene: FANCG (FA complementation group G; minus strand). Cytogenetic location: 9p13.3.
Variant type: single nucleotide variant.
Coding change: c.1403C>T on transcript NM_004629.2 (MANE Select); coding-DNA position 1403, C replaced by T.
Protein change: p.Ala468Val; replaces alanine 468 with valine.
Molecular consequence: missense variant.
Genome position (GRCh38, 1-based): chr9:35,075,495, G>A on the plus strand (C>T on the coding strand, the complement: FANCG is on the minus strand). VCF-style: chr9-35075495-G-A. GRCh37 (hg19) VCF-style: chr9-35075492-G-A.
Other names: short protein forms A468V.
Identifiers: ClinVar variation 849448 (VCV000849448.7), dbSNP rs1829065605, ClinGen allele CA373306820.